The following is an entry in ClinVar:

NM_030957.4(ADAMTS10):c.487G>A (p.Gly163Ser)

Gene: ADAMTS10 (ADAM metallopeptidase with thrombospondin type 1 motif 10; minus strand). Cytogenetic location: 19p13.2.
Variant type: single nucleotide variant.
Coding change: c.487G>A on transcript NM_030957.4 (MANE Select); coding-DNA position 487, G replaced by A.
Protein change: p.Gly163Ser; replaces glycine 163 with serine.
Molecular consequence: missense variant.
Genome position (GRCh38, 1-based): chr19:8,603,833, C>T on the plus strand (G>A on the coding strand, the complement: ADAMTS10 is on the minus strand). VCF-style: chr19-8603833-C-T. GRCh37 (hg19) VCF-style: chr19-8668717-C-T.
Other names: short protein forms G163S.
Identifiers: ClinVar variation 894316 (VCV000894316.6), dbSNP rs373876511, ClinGen allele CA9160817.

ClinVar aggregate classification (germline): Uncertain significance. Review status: criteria provided, multiple submitters, no conflicts (2 of 4 stars). 2 submissions from 2 submitters: Uncertain significance (2). Last evaluated 2022-08-16.

Conditions:
Weill-Marchesani syndrome. Also called: WM Syndrome; Mesodermal dysmorphodystrophy congenital. Identifiers: Orphanet 3449, MedGen C0265313, MONDO:0018096.

Allele frequency attached by ClinVar (database versions not stated): gnomAD 0.00001; gnomAD exomes 0.00001 and 0.00004; ExAC 0.00002; TOPMed 0.00003; ESP Exome Variant Server 0.00008.
gnomAD v4.1: 20 of 1,613,996 alleles (0.0012%); highest among the groups gnomAD compares: East Asian, 0.013%; no homozygotes.

Submissions (2):

Labcorp Genetics (formerly Invitae), Labcorp
Classification: Uncertain significance. Last evaluated: 2022-08-16. Review status: criteria provided, single submitter. Criteria: Invitae Variant Classification Sherloc (09022015). Collection method: clinical testing. Allele origin: germline.
Comment: This sequence change replaces glycine, which is neutral and non-polar, with serine, which is neutral and polar, at codon 163 of the ADAMTS10 protein (p.Gly163Ser). This variant is present in population databases (rs373876511, gnomAD 0.04%). This variant has not been reported in the literature in individuals affected with ADAMTS10-related conditions. ClinVar contains an entry for this variant (Variation ID: 894316). Algorithms developed to predict the effect of missense changes on protein structure and function output the following: SIFT: "Tolerated"; PolyPhen-2: "Benign"; Align-GVGD: "Class C0". The serine amino acid residue is found in multiple mammalian species, which suggests that this missense change does not adversely affect protein function. In summary, the available evidence is currently insufficient to determine the role of this variant in disease. Therefore, it has been classified as a Variant of Uncertain Significance.

Illumina Laboratory Services, Illumina
Classification: Uncertain significance for Weill-Marchesani syndrome. Last evaluated: 2018-01-13. Review status: criteria provided, single submitter. Criteria: ICSL Variant Classification Criteria 13 December 2019. Collection method: clinical testing. Allele origin: germline.